The following is an entry in ClinVar:

NM_001374736.1(DST):c.20095-125A>G

Gene: DST (dystonin; minus strand). Cytogenetic location: 6p12.1.
Variant type: single nucleotide variant.
Coding change: c.20095-125A>G on transcript NM_001374736.1 (MANE Select); 125 bases into the intron before coding-DNA position 20095, A replaced by G.
Molecular consequence: intron variant.
Genome position (GRCh38, 1-based): chr6:56,497,632, T>C on the plus strand (A>G on the coding strand, the complement: DST is on the minus strand). VCF-style: chr6-56497632-T-C. GRCh37 (hg19) VCF-style: chr6-56362430-T-C.
Other names: c.13738-125A>G (NM_001144769.5); c.20095-125A>G (NM_001374722.1); c.20122-125A>G (NM_001374734.1); c.13324-125A>G (NM_001144770.2); c.12877-125A>G (NM_001374730.1); c.13204-125A>G (NM_001386100.1, NM_183380.4); c.19135-125A>G (NM_001374729.1); c.12226-125A>G (NM_015548.5).
Identifiers: ClinVar variation 1684063 (VCV001684063.2), dbSNP rs114081171, ClinGen allele CA139191682.

ClinVar aggregate classification (germline): Likely benign (1 of 4 stars; one submission).

Allele frequency attached by ClinVar (database versions not stated): gnomAD exomes 0.00044; 1000 Genomes Project 0.00280; 1000 Genomes Project 30x 0.00297; gnomAD 0.00453 and 0.00494; TOPMed 0.00519.
gnomAD v4.1: 1,188 of 1,235,322 alleles (0.096%); highest among the groups gnomAD compares: African/African-American, 1.6%; 6 homozygotes.

Submission:

GeneDx
Classification: Likely benign. Last evaluated: 2021-11-12. Review status: criteria provided, single submitter. Criteria: GeneDx Variant Classification Process June 2021. Collection method: clinical testing. Allele origin: germline. Affected: yes.
Comment: See Variant Classification Assertion Criteria.